The following is an entry in ClinVar:

NM_033109.5(PNPT1):c.1563G>A (p.Lys521=)

Gene: PNPT1 (polyribonucleotide nucleotidyltransferase 1; minus strand). Cytogenetic location: 2p16.1.
Variant type: single nucleotide variant.
Coding change: c.1563G>A on transcript NM_033109.5 (MANE Select); coding-DNA position 1563, G replaced by A.
Protein change: p.Lys521=; no amino-acid change (lysine 521 retained).
Molecular consequence: synonymous variant.
Genome position (GRCh38, 1-based): chr2:55,647,386, C>T on the plus strand (G>A on the coding strand, the complement: PNPT1 is on the minus strand). VCF-style: chr2-55647386-C-T. GRCh37 (hg19) VCF-style: chr2-55874521-C-T.
Other names: p.K521K:AAG>AAA.
Identifiers: ClinVar variation 215015 (VCV000215015.11), dbSNP rs863224169, ClinGen allele CA322804.
Genomic context (GRCh38, chr2:55,647,386, plus strand): 5'-TGAAACCGAGAATATACTTGCCAAAATATCTGTCAGCAAACGATAATCTTCTATTTCACC[C>T]TTCTCAGGATCGGTTTTGGTGACCAATCCTATTGCTACGCCTGCAACAGCAGATGAAATT-3'
Protein context (NP_149100.2, residues 511-531): IGLVTKTDPE[Lys521=]GEIEDYRLLT

ClinVar aggregate classification (germline): Conflicting classifications of pathogenicity. Review status: criteria provided, conflicting classifications (1 of 4 stars). 3 submissions from 3 submitters: Uncertain significance (1); Likely benign (2). Last evaluated 2025-12-09.

Conditions:
PNPT1-related disorder. Also called: PNPT1-related condition; PNPT1-related disorders.

Allele frequency attached by ClinVar (database versions not stated): gnomAD exomes below 0.00001; TOPMed 0.00002.
gnomAD v4.1: 1 of 1,610,004 alleles (0.000062%); highest among the groups gnomAD compares: African/African-American, 0.0013%; no homozygotes.

Submissions (3):

PreventionGenetics, part of Exact Sciences
Classification: Likely benign for PNPT1-related condition. Last evaluated: 2025-12-09. Review status: criteria provided, single submitter. Criteria: ACMG Guidelines, 2015. Collection method: clinical testing. Allele origin: germline.
Comment: This variant is classified as likely benign based on ACMG/AMP sequence variant interpretation guidelines (Richards et al. 2015 PMID: 25741868, with internal and published modifications).

Labcorp Genetics (formerly Invitae), Labcorp
Classification: Likely benign. Last evaluated: 2025-02-18. Review status: criteria provided, single submitter. Criteria: Invitae Variant Classification Sherloc (09022015). Collection method: clinical testing. Allele origin: germline.

GeneDx
Classification: Uncertain significance. Last evaluated: 2015-02-05. Review status: criteria provided, single submitter. Criteria: GeneDx Variant Classification (06012015). Collection method: clinical testing. Allele origin: germline. Affected: yes.
Comment: The c.1563 G>A nucleotide substitution in the PNPT1 gene has not been published as a mutation, nor has it been reported as a benign polymorphism to our knowledge. Several in-silico splice prediction models predict that c.1563 G>A creates a cryptic donor site which may supplant the natural donor site and lead to abnormal gene splicing. However, in the absence of RNA/functional studies, the actual effect of this sequence change is unknown. Therefore, based on the currently available information, it is unclear whether this variant is a pathogenic mutation or a rare benign variant.The variant is found in MITONUC-MITOP panel(s).